The following is an entry in ClinVar:

NM_002249.6(KCNN3):c.675G>C (p.Glu225Asp)

Gene: KCNN3 (potassium calcium-activated channel subfamily N member 3; minus strand). Cytogenetic location: 1q21.3.
Variant type: single nucleotide variant.
Coding change: c.675G>C on transcript NM_002249.6 (MANE Select); coding-DNA position 675, G replaced by C.
Protein change: p.Glu225Asp; replaces glutamic acid 225 with aspartic acid.
Molecular consequence: missense variant.
Genome position (GRCh38, 1-based): chr1:154,869,290, C>G on the plus strand (G>C on the coding strand, the complement: KCNN3 is on the minus strand). VCF-style: chr1-154869290-C-G. GRCh37 (hg19) VCF-style: chr1-154841766-C-G.
Other names: c.675G>C, p.Glu225Asp (NM_001204087.2); short protein forms E225D.
Identifiers: ClinVar variation 3905795 (VCV003905795.10).

ClinVar aggregate classification (germline): Uncertain significance (1 of 4 stars; one submission).

Submission:

CeGaT Center for Human Genetics Tuebingen
Classification: Uncertain significance. Last evaluated: 2025-05-01. Review status: criteria provided, single submitter. Criteria: CeGaT Center For Human Genetics Tuebingen Variant Classification Criteria Version 2. Collection method: clinical testing. Allele origin: germline. Affected: yes. Observed: 1 variant allele.
Comment: KCNN3: PM2